The following is an entry in ClinVar:

NM_016222.4(DDX41):c.772C>T (p.Pro258Ser)

Gene: DDX41 (DEAD-box helicase 41; minus strand). Cytogenetic location: 5q35.3.
Variant type: single nucleotide variant.
Coding change: c.772C>T on transcript NM_016222.4 (MANE Select); coding-DNA position 772, C replaced by T.
Protein change: p.Pro258Ser; replaces proline 258 with serine.
Molecular consequence: missense variant.
Genome position (GRCh38, 1-based): chr5:177,514,942, G>A on the plus strand (C>T on the coding strand, the complement: DDX41 is on the minus strand). VCF-style: chr5-177514942-G-A. GRCh37 (hg19) VCF-style: chr5-176941943-G-A.
Other names: c.394C>T, p.Pro132Ser (NM_001321732.2, NM_001321830.2); short protein forms P258S, P132S.
Identifiers: ClinVar variation 4617170 (VCV004617170.1).

ClinVar aggregate classification (germline): Uncertain significance (1 of 4 stars; one submission).

Conditions:
Inborn genetic diseases. Identifiers: MedGen C0950123, MeSH D030342.

Submission:

Ambry Genetics
Classification: Uncertain significance for Inborn genetic diseases. Last evaluated: 2025-11-11. Review status: criteria provided, single submitter. Criteria: Ambry Variant Classification Scheme 2023. Collection method: clinical testing. Allele origin: germline.
Comment: The p.P258S variant (also known as c.772C>T), located in coding exon 8 of the DDX41 gene, results from a C to T substitution at nucleotide position 772. The proline at codon 258 is replaced by serine, an amino acid with similar properties. This amino acid position is highly conserved in available vertebrate species. In addition, the in silico prediction for this alteration is inconclusive. Based on the available evidence, the clinical significance of this variant remains unclear.